The following is an entry in ClinVar:

ClinVar aggregate classification (germline): Uncertain significance (1 of 4 stars; one submission).

Conditions:
Malignant hyperthermia, susceptibility to, 5 (MHS5). Also called: CACNA1S-Related Malignant Hyperthermia Susceptibility. Identifiers: Orphanet 423, MedGen C1866077, MONDO:0011163, OMIM 601887.
Hypokalemic periodic paralysis, type 1. Also called: Hypokalemic Periodic Paralysis Type 1 (AD); HypoPP. Identifiers: Orphanet 681, MedGen C3714580, MONDO:0042979, OMIM 170400.

Submission:

Labcorp Genetics (formerly Invitae), Labcorp
Classification: Uncertain significance for Hypokalemic periodic paralysis, type 1; Malignant hyperthermia, susceptibility to, 5. Last evaluated: 2026-01-12. Review status: criteria provided, single submitter. Criteria: Invitae Variant Classification Sherloc (09022015). Collection method: clinical testing. Allele origin: germline.
Comment: This sequence change replaces glycine, which is neutral and non-polar, with valine, which is neutral and non-polar, at codon 582 of the CACNA1S protein (p.Gly582Val). This variant is present in population databases (rs377459546, gnomAD 0.007%). This variant has not been reported in the literature in individuals affected with CACNA1S-related conditions. Invitae Evidence Modeling of protein sequence and biophysical properties (such as structural, functional, and spatial information, amino acid conservation, physicochemical variation, residue mobility, and thermodynamic stability) has been performed for this missense variant. However, the output from this modeling did not meet the statistical confidence thresholds required to predict the impact of this variant on CACNA1S protein function. In summary, the available evidence is currently insufficient to determine the role of this variant in disease. Therefore, it has been classified as a Variant of Uncertain Significance.

NM_000069.3(CACNA1S):c.1745G>T (p.Gly582Val)

Gene: CACNA1S (calcium voltage-gated channel subunit alpha1 S; minus strand). Cytogenetic location: 1q32.1.
Variant type: single nucleotide variant.
Coding change: c.1745G>T on transcript NM_000069.3 (MANE Select); coding-DNA position 1745, G replaced by T.
Protein change: p.Gly582Val; replaces glycine 582 with valine.
Molecular consequence: missense variant.
Genome position (GRCh38, 1-based): chr1:201,077,002, C>A on the plus strand (G>T on the coding strand, the complement: CACNA1S is on the minus strand). VCF-style: chr1-201077002-C-A. GRCh37 (hg19) VCF-style: chr1-201046130-C-A.
Other names: short protein forms G582V.
Identifiers: ClinVar variation 4783203 (VCV004783203.1).
Genomic context (GRCh38, chr1:201,077,002, plus strand): 5'-TGGGGAAAGTTGTCAAAGTTGCTGCGCCGTACTTCTGTGTCTTCAAAGTCATACCTCCCC[C>A]CAAAGAGCTGCATGCCCAGGAGGGCGAAGATGACGATGAAGAGGAAGAGCAGCAGCAGCA-3'
Protein context (NP_000060.2, residues 572-592): IFALLGMQLF[Gly582Val]GRYDFEDTEV